The following is an entry in ClinVar:

NM_005883.3(APC2):c.5401C>A (p.Pro1801Thr)

Gene: APC2 (APC regulator of WNT signaling pathway 2; plus strand). Cytogenetic location: 19p13.3.
Variant type: single nucleotide variant.
Coding change: c.5401C>A on transcript NM_005883.3 (MANE Select); coding-DNA position 5401, C replaced by A.
Protein change: p.Pro1801Thr; replaces proline 1801 with threonine.
Molecular consequence: missense variant.
Genome position (GRCh38, 1-based): chr19:1,468,702, C>A. VCF-style: chr19-1468702-C-A. GRCh37 (hg19) VCF-style: chr19-1468701-C-A.
Other names: c.5398C>A, p.Pro1800Thr (NM_001351273.1); c.5401C>A (NM_005883.2); short protein forms P1800T, P1801T.
Identifiers: ClinVar variation 2196525 (VCV002196525.4), dbSNP rs1460499169, ClinGen allele CA403040410.
Genomic context (GRCh38, chr19:1,468,702, plus strand): 5'-ACGCCCGGGGTGCCAGCTGTGCTCCGGGGACGAACAGTGATCTACGTCCCCAGCCCGGCA[C>A]CCCGTGCCCAGCCCAAAGGGACCCCCGGCCCCCGCGCCACACCGCGGAAGGTGGCGCCCC-3'
Protein context (NP_005874.1, residues 1791-1811): RTVIYVPSPA[Pro1801Thr]RAQPKGTPGP

ClinVar aggregate classification (germline): Uncertain significance. Review status: criteria provided, multiple submitters, no conflicts (2 of 4 stars). 2 submissions from 2 submitters: Uncertain significance (2). Last evaluated 2024-10-25.

Conditions:
Inborn genetic diseases. Identifiers: MedGen C0950123, MeSH D030342.

Allele frequency attached by ClinVar (database versions not stated): gnomAD 0.00003; TOPMed 0.00008.
gnomAD v4.1: 28 of 1,537,252 alleles (0.0018%); highest among the groups gnomAD compares: Admixed American, 0.038%; no homozygotes.

Submissions (2):

Ambry Genetics
Classification: Uncertain significance for Inborn genetic diseases. Last evaluated: 2024-10-25. Review status: criteria provided, single submitter. Criteria: Ambry Variant Classification Scheme 2023. Collection method: clinical testing. Allele origin: germline.

Labcorp Genetics (formerly Invitae), Labcorp
Classification: Uncertain significance. Last evaluated: 2022-10-14. Review status: criteria provided, single submitter. Criteria: Invitae Variant Classification Sherloc (09022015). Collection method: clinical testing. Allele origin: germline.
Comment: This sequence change replaces proline, which is neutral and non-polar, with threonine, which is neutral and polar, at codon 1801 of the APC2 protein (p.Pro1801Thr). In summary, the available evidence is currently insufficient to determine the role of this variant in disease. Therefore, it has been classified as a Variant of Uncertain Significance. Algorithms developed to predict the effect of missense changes on protein structure and function output the following: SIFT: "Tolerated"; PolyPhen-2: "Benign"; Align-GVGD: "Class C0". The threonine amino acid residue is found in multiple mammalian species, which suggests that this missense change does not adversely affect protein function. This variant has not been reported in the literature in individuals affected with APC2-related conditions. This variant is present in population databases (no rsID available, gnomAD 0.02%).